The following is an entry in ClinVar:

NM_000444.6(PHEX):c.1746del (p.Phe582fs)

Genes: PHEX (phosphate regulating endopeptidase X-linked; plus strand), PTCHD1-AS (PTCHD1 and PHEX antisense RNA; minus strand). Cytogenetic location: Xp22.11.
Variant type: Deletion.
Coding change: c.1746del on transcript NM_000444.6 (MANE Select); coding-DNA position 1746, one base deleted (T; older notation c.1746delT).
Protein change: p.Phe582fs; shifts the reading frame from phenylalanine 582.
Molecular consequence: frameshift variant.
Genome position (GRCh38, 1-based): chrX:22,219,081, T deleted; the last of 3 consecutive T bases (chrX:22,219,079-22,219,081); deleting any one gives the same sequence. VCF-style (leftmost placement, unchanged base first): chrX-22219078-AT-A. GRCh37 (hg19) VCF-style: chrX-22237195-AT-A.
Other names: c.1746del, p.Phe582fs (NM_001282754.2); short protein forms F582fs.
Identifiers: ClinVar variation 2134169 (VCV002134169.4), dbSNP rs2518660225, ClinGen allele CA2579572336.
Genomic context (GRCh38, chrX:22,219,078, plus strand): 5'-TATGTATTAATGCCATAGATCTCTGAGTTATGGTGCTATAGGAGTAATTGTCGGACATGA[AT>A]TTACACATGGATTTGATAATAATGGTAAGTACCGGTTCATTTTATAAGCTGCTGCTTTTA-3'

ClinVar aggregate classification (germline): Pathogenic (1 of 4 stars; one submission).

Submission:

Labcorp Genetics (formerly Invitae), Labcorp
Classification: Pathogenic. Last evaluated: 2022-05-05. Review status: criteria provided, single submitter. Criteria: Invitae Variant Classification Sherloc (09022015). Collection method: clinical testing. Allele origin: germline.
Comment: For these reasons, this variant has been classified as Pathogenic. This variant has not been reported in the literature in individuals affected with PHEX-related conditions. This variant is not present in population databases (gnomAD no frequency). This sequence change creates a premature translational stop signal (p.Phe582Leufs*37) in the PHEX gene. It is expected to result in an absent or disrupted protein product. Loss-of-function variants in PHEX are known to be pathogenic (PMID: 9097956, 9106524, 19219621).

Literature cited by the submitters: PubMed 9097956; PubMed 9106524; PubMed 19219621.